The following is an entry in ClinVar:

ClinVar aggregate classification (germline): Conflicting classifications of pathogenicity. Review status: criteria provided, conflicting classifications (1 of 4 stars). 3 submissions from 3 submitters: Uncertain significance (1); Likely benign (1). 1 of the submissions does not count toward it. Last evaluated 2025-11-24.

Conditions:
SRP72-related disorder. Also called: SRP72-related condition.

Allele frequency attached by ClinVar (database versions not stated): gnomAD exomes 0.00007 and 0.00010; TOPMed 0.00008; gnomAD 0.00009 and 0.00010; ExAC 0.00010.
gnomAD v4.1: 104 of 1,603,410 alleles (0.0065%); highest among the groups gnomAD compares: Non-Finnish European, 0.0057%; 1 homozygote.

Submissions (3):

Labcorp Genetics (formerly Invitae), Labcorp
Classification: Likely benign. Last evaluated: 2025-11-24. Review status: criteria provided, single submitter. Criteria: Invitae Variant Classification Sherloc (09022015). Collection method: clinical testing. Allele origin: germline.

GeneDx
Classification: Uncertain significance. Last evaluated: 2022-08-05. Review status: criteria provided, single submitter. Criteria: GeneDx Variant Classification Process June 2021. Collection method: clinical testing. Allele origin: germline. Affected: yes.
Comment: In silico analysis supports that this missense variant does not alter protein structure/function; Has not been previously published as pathogenic or benign to our knowledge

PreventionGenetics, part of Exact Sciences
Classification: Likely benign for SRP72-related condition. Last evaluated: 2023-06-13. Review status: no assertion criteria provided. Collection method: clinical testing. Allele origin: germline. Not counted in ClinVar's aggregate classification.
Comment: This variant is classified as likely benign based on ACMG/AMP sequence variant interpretation guidelines (Richards et al. 2015 PMID: 25741868, with internal and published modifications).

NM_006947.4(SRP72):c.1135A>G (p.Met379Val)

Gene: SRP72 (signal recognition particle 72; plus strand). Cytogenetic location: 4q12.
Variant type: single nucleotide variant.
Coding change: c.1135A>G on transcript NM_006947.4 (MANE Select); coding-DNA position 1135, A replaced by G.
Protein change: p.Met379Val; replaces methionine 379 with valine.
Molecular consequence: missense variant. On other transcripts: non-coding transcript variant (1).
Genome position (GRCh38, 1-based): chr4:56,486,373, A>G. VCF-style: chr4-56486373-A-G. GRCh37 (hg19) VCF-style: chr4-57352539-A-G.
Other names: c.952A>G, p.Met318Val (NM_001267722.2); c.1135A>G (NM_006947.3); short protein forms M318V, M379V.
Identifiers: ClinVar variation 1053866 (VCV001053866.11), dbSNP rs201095666, ClinGen allele CA2931282.